The following is an entry in ClinVar:

NM_014516.4(CNOT3):c.2164-9C>G

Genes: CNOT3 (CCR4-NOT transcription complex subunit 3; plus strand), LENG1 (leukocyte receptor cluster member 1; minus strand). Cytogenetic location: 19q13.42.
Variant type: single nucleotide variant.
Coding change: c.2164-9C>G on transcript NM_014516.4 (MANE Select); 9 bases into the intron before coding-DNA position 2164, C replaced by G.
Molecular consequence: intron variant. On other transcripts: 3 prime UTR variant (1).
Genome position (GRCh38, 1-based): chr19:54,155,300, C>G. VCF-style: chr19-54155300-C-G. GRCh37 (hg19) VCF-style: chr19-54659038-C-G.
Other names: c.*421G>C (NM_024316.3).
Identifiers: ClinVar variation 3061098 (VCV003061098.2), dbSNP rs2514639721, ClinGen allele CA407772468.

ClinVar aggregate classification (germline): Uncertain significance (0 of 4 stars; one submission).

Conditions:
CNOT3-related disorder. Also called: CNOT3-related condition.

Submission:

PreventionGenetics, part of Exact Sciences
Classification: Uncertain significance for CNOT3-related condition. Last evaluated: 2024-02-08. Review status: no assertion criteria provided. Collection method: clinical testing. Allele origin: germline.
Comment: The CNOT3 c.2164-9C>G variant is predicted to interfere with splicing. To our knowledge, this variant has not been reported in the literature or in a large population database, indicating this variant is rare. At this time, the clinical significance of this variant is uncertain due to the absence of conclusive functional and genetic evidence.